The following is an entry in ClinVar:

NM_000019.4(ACAT1):c.901G>C (p.Ala301Pro)

Gene: ACAT1 (acetyl-CoA acetyltransferase 1; plus strand). Cytogenetic location: 11q22.3.
Variant type: single nucleotide variant.
Coding change: c.901G>C on transcript NM_000019.4 (MANE Select); coding-DNA position 901, G replaced by C.
Protein change: p.Ala301Pro; replaces alanine 301 with proline.
Molecular consequence: missense variant.
Genome position (GRCh38, 1-based): chr11:108,142,511, G>C. VCF-style: chr11-108142511-G-C. GRCh37 (hg19) VCF-style: chr11-108013238-G-C.
Other names: short protein forms A301P.
Identifiers: ClinVar variation 666511 (VCV000666511.7), dbSNP rs1420321267, ClinGen allele CA382508093.
Genomic context (GRCh38, chr11:108,142,511, plus strand): 5'-GCCAATGCCAGTACACTGAATGATGGAGCAGCTGCTCTGGTTCTCATGACGGCAGATGCA[G>C]CGAAGAGGCTCAATGTTACACCACTGGCAAGAATAGTAGGTAAGGCCAGGCGAGGTGGCT-3'
Protein context (NP_000010.1, residues 291-311): AALVLMTADA[Ala301Pro]KRLNVTPLAR

ClinVar aggregate classification (germline): Likely pathogenic. Review status: criteria provided, multiple submitters, no conflicts (2 of 4 stars). 3 submissions from 3 submitters: Likely pathogenic (3). Last evaluated 2023-11-24.

Conditions:
Deficiency of acetyl-CoA acetyltransferase. Also called: 3-KETOTHIOLASE DEFICIENCY; 3-OXOTHIOLASE DEFICIENCY; Beta-ketothiolase deficiency; MITOCHONDRIAL ACETOACETYL-CoA THIOLASE DEFICIENCY. Identifiers: Orphanet 134, MedGen C1536500, MONDO:0008760, OMIM 203750. Disease mechanism: loss of function.

Allele frequency attached by ClinVar (database versions not stated): gnomAD exomes below 0.00001; TOPMed below 0.00001; gnomAD 0.00001.
gnomAD v4.1: 3 of 1,614,052 alleles (0.00019%); highest among the groups gnomAD compares: Non-Finnish European, 0.00025%; no homozygotes.

Submissions (3):

Baylor Genetics
Classification: Likely pathogenic for Deficiency of acetyl-CoA acetyltransferase. Last evaluated: 2023-11-24. Review status: criteria provided, single submitter. Criteria: ACMG Guidelines, 2015. Collection method: clinical testing. Allele origin: unknown.

Labcorp Genetics (formerly Invitae), Labcorp
Classification: Likely pathogenic for Deficiency of acetyl-CoA acetyltransferase. Last evaluated: 2021-10-15. Review status: criteria provided, single submitter. Criteria: Invitae Variant Classification Sherloc (09022015). Collection method: clinical testing. Allele origin: germline.
Comment: In summary, the currently available evidence indicates that the variant is pathogenic, but additional data are needed to prove that conclusively. Therefore, this variant has been classified as Likely Pathogenic. Experimental studies have shown that this missense change affects ACAT1 protein function (PMID: 7749408). Advanced modeling of protein sequence and biophysical properties (such as structural, functional, and spatial information, amino acid conservation, physicochemical variation, residue mobility, and thermodynamic stability) performed at Invitae indicates that this missense variant is expected to disrupt ACAT1 protein function. ClinVar contains an entry for this variant (Variation ID: 666511). This missense change has been observed in individual(s) with Beta-ketothiolase deficiency (PMID: 7728148, 7749408). In at least one individual the data is consistent with the variant being in trans (on the opposite chromosome) from a pathogenic variant. This variant is not present in population databases (ExAC no frequency). This sequence change replaces alanine with proline at codon 301 of the ACAT1 protein (p.Ala301Pro). The alanine residue is moderately conserved and there is a small physicochemical difference between alanine and proline.

Department of Pediatrics, Gifu University
Classification: Likely pathogenic for Deficiency of acetyl-CoA acetyltransferase. Last evaluated: 2019-05-05. Review status: criteria provided, single submitter. Criteria: ACMG Guidelines, 2015. Collection method: research. Allele origin: germline. Affected: yes. Observed: 1 variant allele.

Literature cited by the submitters: PubMed 7749408 (cited by Labcorp Genetics (formerly Invitae), Labcorp); PubMed 7728148 (cited by Labcorp Genetics (formerly Invitae), Labcorp and Department of Pediatrics, Gifu University); PubMed 31268215 (cited by Department of Pediatrics, Gifu University).